The following is an entry in ClinVar:

ClinVar aggregate classification (germline): Uncertain significance (1 of 4 stars; one submission).

gnomAD v4.1: 1 of 1,614,132 alleles (0.000062%); highest among the groups gnomAD compares: Non-Finnish European, 0.000085%; no homozygotes.

Submission:

Labcorp Genetics (formerly Invitae), Labcorp
Classification: Uncertain significance. Last evaluated: 2023-07-12. Review status: criteria provided, single submitter. Criteria: Invitae Variant Classification Sherloc (09022015). Collection method: clinical testing. Allele origin: germline.
Comment: In summary, the available evidence is currently insufficient to determine the role of this variant in disease. Therefore, it has been classified as a Variant of Uncertain Significance. An algorithm developed to predict the effect of missense changes on protein structure and function (PolyPhen-2) suggests that this variant is likely to be disruptive. This variant has not been reported in the literature in individuals affected with CARD8-related conditions. This variant is not present in population databases (gnomAD no frequency). This sequence change replaces valine, which is neutral and non-polar, with leucine, which is neutral and non-polar, at codon 234 of the CARD8 protein (p.Val234Leu).

NM_001184900.3(CARD8):c.850G>T (p.Val284Leu)

Gene: CARD8 (caspase recruitment domain family member 8; minus strand). Cytogenetic location: 19q13.33.
Variant type: single nucleotide variant.
Coding change: c.850G>T on transcript NM_001184900.3 (MANE Select); coding-DNA position 850, G replaced by T.
Protein change: p.Val284Leu; replaces valine 284 with leucine.
Molecular consequence: missense variant. On other transcripts: non-coding transcript variant (4).
Genome position (GRCh38, 1-based): chr19:48,230,623, C>A on the plus strand (G>T on the coding strand, the complement: CARD8 is on the minus strand). VCF-style: chr19-48230623-C-A. GRCh37 (hg19) VCF-style: chr19-48733880-C-A.
Other names: c.700G>T, p.Val234Leu (NM_001184901.1, NM_001351783.2, NM_001351788.2 and 2 more transcripts); c.850G>T, p.Val284Leu (NM_001184902.2, NM_001184903.1, NM_001351782.2); c.535G>T, p.Val179Leu (NM_001351784.2, NM_001351787.2, NM_001351791.2 and 1 more transcripts); c.514G>T, p.Val172Leu (NM_001351786.2); c.607G>T, p.Val203Leu (NM_001351790.2); c.532G>T, p.Val178Leu (NM_001365950.1); c.25G>T, p.Val9Leu (NM_001426741.1); short protein forms V203L, V284L, V172L, V178L, V179L, V234L, V9L.
Identifiers: ClinVar variation 2731329 (VCV002731329.3), dbSNP rs144910544, ClinGen allele CA406643995.